The following is an entry in ClinVar:

NM_022081.6(HPS4):c.704A>G (p.His235Arg)

Gene: HPS4 (HPS4 biogenesis of lysosomal organelles complex 3 subunit 2; minus strand). Cytogenetic location: 22q12.1.
Variant type: single nucleotide variant.
Coding change: c.704A>G on transcript NM_022081.6 (MANE Select); coding-DNA position 704, A replaced by G.
Protein change: p.His235Arg; replaces histidine 235 with arginine.
Molecular consequence: missense variant. On other transcripts: non-coding transcript variant (8).
Genome position (GRCh38, 1-based): chr22:26,466,228, T>C on the plus strand (A>G on the coding strand, the complement: HPS4 is on the minus strand). VCF-style: chr22-26466228-T-C. GRCh37 (hg19) VCF-style: chr22-26862194-T-C.
Other names: c.704A>G, p.His235Arg (NM_001349896.1, NM_001349898.2, NM_001349899.2 and 6 more transcripts); c.689A>G, p.His230Arg (NM_152841.2); short protein forms H230R, H235R.
Identifiers: ClinVar variation 708993 (VCV000708993.19), dbSNP rs150166679, ClinGen allele CA10163566.

ClinVar aggregate classification (germline): Conflicting classifications of pathogenicity. Review status: criteria provided, conflicting classifications (1 of 4 stars). 6 submissions from 6 submitters: Uncertain significance (2); Benign (1); Likely benign (2). 1 of the submissions does not count toward it. Last evaluated 2026-01-28.

Conditions:
HPS4-related disorder. Also called: HPS4-related condition.
Hermansky-Pudlak syndrome 4 (HPS4). Identifiers: Orphanet 231500, Orphanet 79430, MedGen C3484357, MONDO:0013556, OMIM 614073.

Allele frequency attached by ClinVar (database versions not stated): 1000 Genomes Project 30x 0.00016; 1000 Genomes Project 0.00020; ESP Exome Variant Server 0.00031; TOPMed 0.00039; gnomAD 0.00040 and 0.00042; ExAC 0.00061; gnomAD exomes 0.00064.
gnomAD v4.1: 672 of 1,614,206 alleles (0.042%); highest among the groups gnomAD compares: Middle Eastern, 0.26%; 1 homozygote.

Submissions (6):

Labcorp Genetics (formerly Invitae), Labcorp
Classification: Benign. Last evaluated: 2026-01-28. Review status: criteria provided, single submitter. Criteria: Invitae Variant Classification Sherloc (09022015). Collection method: clinical testing. Allele origin: germline.

Blueprint Genetics
Classification: Likely benign. Last evaluated: 2024-11-22. Review status: criteria provided, single submitter. Criteria: ACMG Guidelines, 2015. Collection method: clinical testing. Allele origin: germline.

Women's Health and Genetics/Laboratory Corporation of America, LabCorp
Classification: Likely benign. Last evaluated: 2024-06-12. Review status: criteria provided, single submitter. Criteria: LabCorp Variant Classification Summary - May 2015. Collection method: clinical testing. Allele origin: germline.
Comment: Variant summary: HPS4 c.704A>G (p.His235Arg) results in a non-conservative amino acid change in the encoded protein sequence. Four of five in-silico tools predict a benign effect of the variant on protein function. Consensus agreement among computation tools predict no significant impact on normal splicing. However, these predictions have yet to be confirmed by functional studies. The variant allele was found at a frequency of 0.00064 in 251488 control chromosomes. The observed variant frequency is approximately 1-fold of the estimated maximal expected allele frequency for a pathogenic variant in HPS4 causing Hermansky-Pudlak Syndrome phenotype (0.00052). c.704A>G has been reported in the literature in one individual affected with oculocutaneous albinism (Hutton_2008). These report(s) do not provide unequivocal conclusions about association of the variant with Hermansky-Pudlak Syndrome. To our knowledge, no experimental evidence demonstrating an impact on protein function has been reported. The following publication has been ascertained in the context of this evaluation (PMID: 18463683). ClinVar contains an entry for this variant (Variation ID: 708993). Based on the evidence outlined above, the variant was classified as likely benign.

Department of Pathology and Laboratory Medicine, Sinai Health System
Classification: Uncertain significance for Hermansky-Pudlak syndrome 4. Last evaluated: 2021-07-30. Review status: criteria provided, single submitter. Criteria: ACMG Guidelines, 2015. Collection method: research. Allele origin: germline.

Illumina Laboratory Services, Illumina
Classification: Uncertain significance for Hermansky-Pudlak syndrome 4. Last evaluated: 2018-01-13. Review status: criteria provided, single submitter. Criteria: ICSL Variant Classification Criteria 13 December 2019. Collection method: clinical testing. Allele origin: germline.

PreventionGenetics, part of Exact Sciences
Classification: Likely benign for HPS4-related condition. Last evaluated: 2021-04-08. Review status: no assertion criteria provided. Collection method: clinical testing. Allele origin: germline. Not counted in ClinVar's aggregate classification.
Comment: This variant is classified as likely benign based on ACMG/AMP sequence variant interpretation guidelines (Richards et al. 2015 PMID: 25741868, with internal and published modifications).

Literature cited by the submitters: PubMed 18463683 (cited by Women's Health and Genetics/Laboratory Corporation of America, LabCorp).